The following is an entry in ClinVar:

NM_000093.5(COL5A1):c.5370+11C>T

Genes: COL5A1 (collagen type V alpha 1 chain; plus strand), LOC101448202 (uncharacterized LOC101448202; minus strand). Cytogenetic location: 9q34.3.
Variant type: single nucleotide variant.
Coding change: c.5370+11C>T on transcript NM_000093.5 (MANE Select); 11 bases into the intron after coding-DNA position 5370, C replaced by T.
Molecular consequence: intron variant.
Genome position (GRCh38, 1-based): chr9:134,835,215, C>T. VCF-style: chr9-134835215-C-T. GRCh37 (hg19) VCF-style: chr9-137727061-C-T.
Other names: c.5370+11C>T (NM_001278074.1).
Identifiers: ClinVar variation 212912 (VCV000212912.48), dbSNP rs764644830, ClinGen allele CA324203.
Genomic context (GRCh38, chr9:134,835,215, plus strand): 5'-TGTCCTATGACAACAACCCCTACATCCGCGCCCTGGTGGACGGCTGTGCTGTGAGTATCC[C>T]GCGCCGCGCCCAGCACCCCTGCTCACGCCTCCGTGGGGCTCGCTCCTCACTCAGCACGGG-3'

ClinVar aggregate classification (germline): Benign/Likely benign. Review status: criteria provided, multiple submitters, no conflicts (2 of 4 stars). 5 submissions from 5 submitters: Benign (2); Likely benign (3). Last evaluated 2025-12-14.

Conditions:
Ehlers-Danlos syndrome, classic type, 1 (EDSCL1). Also called: EHLERS-DANLOS SYNDROME, GRAVIS TYPE; EHLERS-DANLOS SYNDROME, SEVERE CLASSIC TYPE; Ehlers-Danlos syndrome, type 1; Ehlers-Danlos Syndrome, Classic Type, COL5A1-Related; EDS I. Identifiers: MedGen C0268335, MONDO:0019567, OMIM 130000.
Ehlers-Danlos syndrome, classic type (cEDS). Identifiers: Orphanet 287, MedGen C4225429, MONDO:0007522.

Allele frequency attached by ClinVar (database versions not stated): ExAC 0.00008; gnomAD exomes 0.00015; TOPMed 0.00022; gnomAD 0.00030 and 0.00032.
gnomAD v4.1: 237 of 1,609,516 alleles (0.015%); highest among the groups gnomAD compares: Middle Eastern, 0.99%; 2 homozygotes.

Submissions (5):

Labcorp Genetics (formerly Invitae), Labcorp
Classification: Benign for Ehlers-Danlos syndrome, classic type, 1. Last evaluated: 2025-12-14. Review status: criteria provided, single submitter. Criteria: Invitae Variant Classification Sherloc (09022015). Collection method: clinical testing. Allele origin: germline.

Blueprint Genetics
Classification: Likely benign. Last evaluated: 2024-03-07. Review status: criteria provided, single submitter. Criteria: ACMG Guidelines, 2015. Collection method: clinical testing. Allele origin: germline.

CeGaT Center for Human Genetics Tuebingen
Classification: Likely benign. Last evaluated: 2024-01-01. Review status: criteria provided, single submitter. Criteria: CeGaT Center For Human Genetics Tuebingen Variant Classification Criteria Version 2. Collection method: clinical testing. Allele origin: germline. Affected: yes. Observed: 2 variant alleles.
Comment: COL5A1: BP5

Illumina Laboratory Services, Illumina
Classification: Likely benign for Ehlers-Danlos syndrome, classic type, 1. Last evaluated: 2018-01-13. Review status: criteria provided, single submitter. Criteria: ICSL Variant Classification Criteria 13 December 2019. Collection method: clinical testing. Allele origin: germline.
Comment: This variant was observed in the ICSL laboratory as part of a predisposition screen in an ostensibly healthy population. It had not been previously curated by ICSL or reported in the Human Gene Mutation Database (HGMD: prior to June 1st, 2018), and was therefore a candidate for classification through an automated scoring system. Utilizing variant allele frequency, disease prevalence and penetrance estimates, and inheritance mode, an automated score was calculated to assess if this variant is too frequent to cause the disease. Based on the score and internal cut-off values, a variant classified as likely benign is not then subjected to further curation. The score for this variant resulted in a classification of likely benign for this disease.

GeneDx
Classification: Benign. Last evaluated: 2014-08-13. Review status: criteria provided, single submitter. Criteria: GeneDx Variant Classification (06012015). Collection method: clinical testing. Allele origin: germline. Affected: yes.
Comment: This variant is considered likely benign or benign based on one or more of the following criteria: it is a conservative change, it occurs at a poorly conserved position in the protein, it is predicted to be benign by multiple in silico algorithms, and/or has population frequency not consistent with disease.